The following is an entry in ClinVar:

NM_000543.5(SMPD1):c.25C>T (p.Arg9Cys)

Genes: SMPD1 (sphingomyelin phosphodiesterase 1; plus strand), LOC130005193 (ATAC-STARR-seq lymphoblastoid silent region 3099; plus strand). Cytogenetic location: 11p15.4.
Variant type: single nucleotide variant.
Coding change: c.25C>T on transcript NM_000543.5 (MANE Select); coding-DNA position 25, C replaced by T.
Protein change: p.Arg9Cys; replaces arginine 9 with cysteine.
Molecular consequence: missense variant. On other transcripts: 5 prime UTR variant (1), non-coding transcript variant (2).
Genome position (GRCh38, 1-based): chr11:6,390,623, C>T. VCF-style: chr11-6390623-C-T. GRCh37 (hg19) VCF-style: chr11-6411853-C-T.
Other names: c.25C>T, p.Arg9Cys (NM_001007593.3, NM_001318087.2, NM_001365135.2); c.-937C>T (NM_001318088.2); short protein forms R9C.
Identifiers: ClinVar variation 4986158 (VCV004986158.1).
Genomic context (GRCh38, chr11:6,390,623, plus strand): 5'-GGACAGACGAACCAGCCCCGTGTAGGAAGCGCGACAATGCCCCGCTACGGAGCGTCACTC[C>T]GCCAGAGCTGCCCCAGGTCCGGCCGGGAGCAGGGACAAGACGGGACCGCCGGAGCCCCCG-3'
Protein context (NP_000534.3, residues 1-19): MPRYGASL[Arg9Cys]QSCPRSGREQ

ClinVar aggregate classification (germline): Uncertain significance (1 of 4 stars; one submission).

Conditions:
SMPD1-related disorder. Also called: SMPD1-related condition.

gnomAD v4.1: 4 of 1,612,740 alleles (0.00025%); highest among the groups gnomAD compares: South Asian, 0.0011%; no homozygotes.

Submission:

PreventionGenetics, part of Exact Sciences
Classification: Uncertain significance for SMPD1-related condition. Last evaluated: 2025-11-26. Review status: criteria provided, single submitter. Criteria: ACMG Guidelines, 2015. Collection method: clinical testing. Allele origin: germline.
Comment: The SMPD1 c.25C>T variant is predicted to result in the amino acid substitution p.Arg9Cys. To our knowledge, this variant has not been reported in the literature or in a large population database (gnomAD), indicating this variant is rare. At this time, the clinical significance of this variant is uncertain due to the absence of conclusive functional and genetic evidence.